The following is an entry in ClinVar:

NM_001940.4(ATN1):c.1464GCA[13] (p.Gln501_Gln502del)

Genes: ATN1 (atrophin 1; plus strand), LOC109461484 (atrophin 1 repeat instability region; plus strand). Cytogenetic location: 12p13.31.
Variant type: Microsatellite.
Coding change: c.1464GCA[13] on transcript NM_001940.4 (MANE Select); 13 copies in a row of the 3-base unit GCA starting at c.1464; the reference has 15 copies in a row; two copies, 6 bases deleted.
Protein change: p.Gln501_Gln502del.
Molecular consequence: inframe indel (on NM_001424181.1).
Genome position (GRCh38, 1-based): chr12:6,936,770-6,936,775, GCAGCA deleted; deleting any 6 consecutive bases within chr12:6,936,729-6,936,775 gives the same sequence; the position shown is the placement nearest the transcript's 3' end. VCF-style (leftmost placement, unchanged base first): chr12-6936728-ACAGCAG-A. GRCh37 (hg19) VCF-style: chr12-7045891-ACAGCAG-A.
Other names: p.Gln501_Gln502del; c.1464GCA[13], p.Gln501_Gln502del (NM_001007026.2, NM_001424176.1, NM_001424177.1 and 1 more transcripts); c.1461GCA[13], p.Gln500_Gln501del (NM_001424179.1, NM_001424180.1); c.1464_(1466_?)GCA[13], p.Gln495_His(496_?)insGlnGlnGlnGlnGln (NM_001424181.1); c.1461GCA[13], p.Gln494_His495insGlnGlnGlnGlnGln (NM_001424182.1); c.1503_1508del (NM_001007026.2).
Identifiers: ClinVar variation 3055682 (VCV003055682.6), dbSNP rs60216939, ClinGen allele CA478518881.
Genomic context (GRCh38, chr12:6,936,728, plus strand): 5'-GGCCCAGTCCACCGCCCACCCACCAGTCTCAACACATCACCATCACCACCAGCAACAGCA[ACAGCAG>A]CAGCAGCAGCAGCAGCAGCAGCAGCAGCAGCAGCAGCAGCATCACGGAAACTCTGGGCCC-3'

ClinVar aggregate classification (germline): Benign/Likely benign. Review status: criteria provided, multiple submitters, no conflicts (2 of 4 stars). 5 submissions from 5 submitters: Benign (1); Likely benign (3). 1 of the submissions does not count toward it. Last evaluated 2025-09-10.

Conditions:
Congenital hypotonia, epilepsy, developmental delay, and digital anomalies (CHEDDA). Also called: ATN1-Related Neurodevelopmental Disorder. Identifiers: MedGen C5193125, MONDO:0032781, OMIM 618494.
ATN1-related disorder. Also called: ATN1-related disorders; ATN1-related condition.

Submissions (5):

Genomic Medicine Center of Excellence, King Faisal Specialist Hospital and Research Centre
Classification: Likely benign for Congenital hypotonia, epilepsy, developmental delay, and digital anomalies. Last evaluated: 2025-09-10. Review status: criteria provided, single submitter. Criteria: ACMG Guidelines, 2015. Collection method: clinical testing. Allele origin: germline.

Laboratory of Genetics, Children's Clinical University Hospital Latvia
Classification: Likely benign. Last evaluated: 2025-02-16. Review status: criteria provided, single submitter. Criteria: ACMG Guidelines, 2015. Collection method: clinical testing. Allele origin: germline. Affected: yes.

Blueprint Genetics
Classification: Likely benign. Last evaluated: 2024-11-27. Review status: criteria provided, single submitter. Criteria: ACMG Guidelines, 2015. Collection method: clinical testing. Allele origin: germline.

Mayo Clinic Laboratories, Mayo Clinic
Classification: Benign. Last evaluated: 2022-06-23. Review status: criteria provided, single submitter. Criteria: ACMG Guidelines, 2015. Collection method: clinical testing. Allele origin: germline. Observed: 12 variant alleles.
Comment: BA1

PreventionGenetics, part of Exact Sciences
Classification: Benign for ATN1-related condition. Last evaluated: 2019-10-31. Review status: no assertion criteria provided. Collection method: clinical testing. Allele origin: germline. Not counted in ClinVar's aggregate classification.
Comment: This variant is classified as benign based on ACMG/AMP sequence variant interpretation guidelines (Richards et al. 2015 PMID: 25741868, with internal and published modifications).

Literature cited by the submitters: PubMed 31130284 (cited by Mayo Clinic Laboratories, Mayo Clinic).